The following is an entry in ClinVar:

NM_001374353.1(GLI2):c.3409G>A (p.Val1137Ile)

Gene: GLI2 (GLI family zinc finger 2; plus strand). Cytogenetic location: 2q14.2.
Variant type: single nucleotide variant.
Coding change: c.3409G>A on transcript NM_001374353.1 (MANE Select); coding-DNA position 3409, G replaced by A.
Protein change: p.Val1137Ile; replaces valine 1137 with isoleucine.
Molecular consequence: missense variant.
Genome position (GRCh38, 1-based): chr2:120,989,374, G>A. VCF-style: chr2-120989374-G-A. GRCh37 (hg19) VCF-style: chr2-121746950-G-A.
Other names: c.3460G>A, p.Val1154Ile (NM_001371271.1, NM_005270.5); c.3034G>A, p.Val1012Ile (NM_001374354.1); short protein forms V1154I, V1012I, V1137I.
Identifiers: ClinVar variation 330986 (VCV000330986.16), dbSNP rs200999705, ClinGen allele CA1852395.

ClinVar aggregate classification (germline): Benign/Likely benign. Review status: criteria provided, multiple submitters, no conflicts (2 of 4 stars). 4 submissions from 4 submitters: Benign (2); Likely benign (1). 1 of the submissions does not count toward it. Last evaluated 2024-11-16.

Conditions:
Holoprosencephaly 9 (HPE9). Also called: HOLOPROSENCEPHALY WITH MICROPHTHALMIA AND FIRST BRANCHIAL ARCH ANOMALIES; PITUITARY ANOMALIES WITH HOLOPROSENCEPHALY-LIKE FEATURES. Identifiers: Orphanet 2162, MedGen C1835819, MONDO:0012563, OMIM 610829.
Postaxial polydactyly-anterior pituitary anomalies-facial dysmorphism syndrome. Also called: Culler-Jones syndrome. Identifiers: Orphanet 420584, MedGen C4014479, MONDO:0014369, OMIM 615849.
GLI2-related disorder. Also called: GLI2-related disorders; GLI2-related condition.

Allele frequency attached by ClinVar (database versions not stated): gnomAD 0.00001 and 0.00017; TOPMed 0.00005; gnomAD exomes 0.00038 and 0.00075; ExAC 0.00095; 1000 Genomes Project 30x 0.00109; 1000 Genomes Project 0.00120.
gnomAD v4.1: 588 of 1,612,964 alleles (0.036%); highest among the groups gnomAD compares: South Asian, 0.53%; 8 homozygotes.

Submissions (4):

Labcorp Genetics (formerly Invitae), Labcorp
Classification: Benign for Postaxial polydactyly-anterior pituitary anomalies-facial dysmorphism syndrome; Holoprosencephaly 9. Last evaluated: 2024-11-16. Review status: criteria provided, single submitter. Criteria: Invitae Variant Classification Sherloc (09022015). Collection method: clinical testing. Allele origin: germline.

Blueprint Genetics
Classification: Likely benign. Last evaluated: 2024-02-09. Review status: criteria provided, single submitter. Criteria: ACMG Guidelines, 2015. Collection method: clinical testing. Allele origin: germline.

Illumina Laboratory Services, Illumina
Classification: Benign for Holoprosencephaly 9. Last evaluated: 2018-01-12. Review status: criteria provided, single submitter. Criteria: ICSL Variant Classification Criteria 13 December 2019. Collection method: clinical testing. Allele origin: germline.
Comment: This variant was observed in the ICSL laboratory as part of a predisposition screen in an ostensibly healthy population. It had not been previously curated by ICSL or reported in the Human Gene Mutation Database (HGMD: prior to June 1st, 2018), and was therefore a candidate for classification through an automated scoring system. Utilizing variant allele frequency, disease prevalence and penetrance estimates, and inheritance mode, an automated score was calculated to assess if this variant is too frequent to cause the disease. Based on the score and internal cut-off values, a variant classified as benign is not then subjected to further curation. The score for this variant resulted in a classification of benign for this disease.

PreventionGenetics, part of Exact Sciences
Classification: Benign for GLI2-related condition. Last evaluated: 2019-06-28. Review status: no assertion criteria provided. Collection method: clinical testing. Allele origin: germline. Not counted in ClinVar's aggregate classification.
Comment: This variant is classified as benign based on ACMG/AMP sequence variant interpretation guidelines (Richards et al. 2015 PMID: 25741868, with internal and published modifications).